The following is an entry in ClinVar:

NM_001355436.2(SPTB):c.1378G>A (p.Ala460Thr)

Gene: SPTB (spectrin beta, erythrocytic; minus strand). Cytogenetic location: 14q23.3.
Variant type: single nucleotide variant.
Coding change: c.1378G>A on transcript NM_001355436.2 (MANE Select); coding-DNA position 1378, G replaced by A.
Protein change: p.Ala460Thr; replaces alanine 460 with threonine.
Molecular consequence: missense variant.
Genome position (GRCh38, 1-based): chr14:64,795,603, C>T on the plus strand (G>A on the coding strand, the complement: SPTB is on the minus strand). VCF-style: chr14-64795603-C-T. GRCh37 (hg19) VCF-style: chr14-65262321-C-T.
Other names: c.1378G>A, p.Ala460Thr (NM_001024858.4, NM_001355437.2); short protein forms A460T.
Identifiers: ClinVar variation 2436430 (VCV002436430.4), dbSNP rs377510670, ClinGen allele CA7231122.
Genomic context (GRCh38, chr14:64,795,603, plus strand): 5'-CTCTCACCCGCTCCTCGTAGGCAGCCGTGTCGGTCTCGATGGCCTCATGCTTCTTCTTGG[C>T]GGCCTCCACAGCTGCCAGGTCATACCCAAAGTTATCCTGCCCCACCGGGAGAAAAACAGG-3'
Protein context (NP_001342365.1, residues 450-470): FGYDLAAVEA[Ala460Thr]KKKHEAIETD

ClinVar aggregate classification (germline): Uncertain significance. Review status: criteria provided, multiple submitters, no conflicts (2 of 4 stars). 2 submissions from 2 submitters: Uncertain significance (2). Last evaluated 2025-11-05.

Allele frequency attached by ClinVar (database versions not stated): gnomAD 0.00001; TOPMed 0.00002; ExAC 0.00003; ESP Exome Variant Server 0.00008.
gnomAD v4.1: 64 of 1,613,902 alleles (0.004%); highest among the groups gnomAD compares: Middle Eastern, 0.016%; no homozygotes.

Submissions (2):

Labcorp Genetics (formerly Invitae), Labcorp
Classification: Uncertain significance. Last evaluated: 2025-11-05. Review status: criteria provided, single submitter. Criteria: Invitae Variant Classification Sherloc (09022015). Collection method: clinical testing. Allele origin: germline.
Comment: This sequence change replaces alanine, which is neutral and non-polar, with threonine, which is neutral and polar, at codon 460 of the SPTB protein (p.Ala460Thr). This variant is present in population databases (rs377510670, gnomAD 0.006%). This variant has not been reported in the literature in individuals affected with SPTB-related conditions. ClinVar contains an entry for this variant (Variation ID: 2436430). An algorithm developed to predict the effect of missense changes on protein structure and function (PolyPhen-2) suggests that this variant is likely to be disruptive. In summary, the available evidence is currently insufficient to determine the role of this variant in disease. Therefore, it has been classified as a Variant of Uncertain Significance.

Revvity Omics, Revvity
Classification: Uncertain significance. Last evaluated: 2022-11-04. Review status: criteria provided, single submitter. Criteria: ACMG Guidelines, 2015. Collection method: clinical testing. Allele origin: germline.